The following is an entry in ClinVar:

ClinVar aggregate classification (germline): Uncertain significance (1 of 4 stars; one submission).

Conditions:
Legius syndrome. Identifiers: Orphanet 137605, MedGen C1969623, MONDO:0012669, OMIM 611431. Disease mechanism: loss of function.

Allele frequency attached by ClinVar (database versions not stated): gnomAD exomes below 0.00001 and 0.00001; ExAC 0.00001; gnomAD 0.00001; TOPMed 0.00001; ESP Exome Variant Server 0.00008.
gnomAD v4.1: 9 of 1,614,072 alleles (0.00056%); highest among the groups gnomAD compares: Middle Eastern, 0.016%; no homozygotes.

Submission:

Labcorp Genetics (formerly Invitae), Labcorp
Classification: Uncertain significance for Legius syndrome. Last evaluated: 2026-01-20. Review status: criteria provided, single submitter. Criteria: Invitae Variant Classification Sherloc (09022015). Collection method: clinical testing. Allele origin: germline.
Comment: This sequence change replaces histidine, which is basic and polar, with arginine, which is basic and polar, at codon 344 of the SPRED1 protein (p.His344Arg). This variant is present in population databases (rs376679136, gnomAD 0.002%). This missense change has been observed in individual(s) with Legius syndrome (PMID: 21548021). ClinVar contains an entry for this variant (Variation ID: 409628). Invitae Evidence Modeling incorporating data from in vitro experimental studies (internal data) indicates that this missense variant is not expected to disrupt SPRED1 function with a negative predictive value of 95%. In summary, the available evidence is currently insufficient to determine the role of this variant in disease. Therefore, it has been classified as a Variant of Uncertain Significance.

Literature cited by the submitters: PubMed 21548021.

NM_152594.3(SPRED1):c.1031A>G (p.His344Arg)

Gene: SPRED1 (sprouty related EVH1 domain containing 1; plus strand). Cytogenetic location: 15q14.
Variant type: single nucleotide variant.
Coding change: c.1031A>G on transcript NM_152594.3 (MANE Select); coding-DNA position 1031, A replaced by G.
Protein change: p.His344Arg; replaces histidine 344 with arginine.
Molecular consequence: missense variant.
Genome position (GRCh38, 1-based): chr15:38,351,360, A>G. VCF-style: chr15-38351360-A-G. GRCh37 (hg19) VCF-style: chr15-38643561-A-G.
Other names: short protein forms H344R.
Identifiers: ClinVar variation 409628 (VCV000409628.8), dbSNP rs376679136, ClinGen allele CA7470220.